The following is an entry in ClinVar:

NM_004793.4(LONP1):c.570G>A (p.Thr190=)

Gene: LONP1 (lon peptidase 1, mitochondrial; minus strand). Cytogenetic location: 19p13.3.
Variant type: single nucleotide variant.
Coding change: c.570G>A on transcript NM_004793.4 (MANE Select); coding-DNA position 570, G replaced by A.
Protein change: p.Thr190=; no amino-acid change (threonine 190 retained).
Molecular consequence: synonymous variant. On other transcripts: 5 prime UTR variant (1), non-coding transcript variant (1).
Genome position (GRCh38, 1-based): chr19:5,713,202, C>T on the plus strand (G>A on the coding strand, the complement: LONP1 is on the minus strand). VCF-style: chr19-5713202-C-T. GRCh37 (hg19) VCF-style: chr19-5713213-C-T.
Other names: c.378G>A, p.Thr126= (NM_001276479.2); c.-19G>A (NM_001276480.1).
Identifiers: ClinVar variation 2649124 (VCV002649124.24), dbSNP rs781684306, ClinGen allele CA9115066.

ClinVar aggregate classification (germline): Likely benign (1 of 4 stars; one submission).

Allele frequency attached by ClinVar (database versions not stated): gnomAD exomes 0.00001; TOPMed 0.00001; ExAC 0.00003; gnomAD 0.00003.
gnomAD v4.1: 17 of 1,613,970 alleles (0.0011%); highest among the groups gnomAD compares: South Asian, 0.0033%; no homozygotes.

Submission:

CeGaT Center for Human Genetics Tuebingen
Classification: Likely benign. Last evaluated: 2023-03-01. Review status: criteria provided, single submitter. Criteria: CeGaT Center For Human Genetics Tuebingen Variant Classification Criteria Version 2. Collection method: clinical testing. Allele origin: germline. Affected: yes. Observed: 1 variant allele.
Comment: LONP1: BP4, BP7